The following is an entry in ClinVar:

ClinVar aggregate classification (germline): Uncertain significance (1 of 4 stars; one submission).

Conditions:
Primary dilated cardiomyopathy (DCM). Also called: Dilated Cardiomyopathy. Identifiers: Orphanet 217604, MedGen C0007193, MeSH D002311, MONDO:0005021, HP:0001644. Inheritance: Various modes of inheritance.

Submission:

All of Us Research Program, National Institutes of Health
Classification: Uncertain significance for Primary dilated cardiomyopathy. Last evaluated: 2024-07-10. Review status: criteria provided, single submitter. Criteria: ACMG Guidelines, 2015. Collection method: clinical testing. Allele origin: germline. Inheritance: Autosomal dominant inheritance. Observed: 4 variant alleles, 4 heterozygotes.
Comment: This variant is located in the 5' untranslated region of the LMNA gene. To our knowledge, functional studies have not been reported for this variant. This variant has not been reported in individuals affected with LMNA-related disorders in the literature. This variant has not been identified in the general population by the Genome Aggregation Database (gnomAD). The available evidence is insufficient to determine the role of this variant in disease conclusively. Therefore, this variant is classified as a Variant of Uncertain Significance.

This study involves interpretation of variants in research participants for the purpose of population health screening. Participant phenotype was not available at the time of variant classification. Additional details can be found in publication PMID: 35346344, PMCID: PMC8962531

NM_170707.4(LMNA):c.-6C>T

Gene: LMNA (lamin A/C; plus strand). Cytogenetic location: 1q22.
Variant type: single nucleotide variant.
Coding change: c.-6C>T on transcript NM_170707.4 (MANE Select); 6 bases upstream of the start codon, C replaced by T.
Molecular consequence: 5 prime UTR variant. On other transcripts: intron variant (2).
Genome position (GRCh38, 1-based): chr1:156,114,913, C>T. VCF-style: chr1-156114913-C-T. GRCh37 (hg19) VCF-style: chr1-156084704-C-T.
Other names: c.-6C>T (NM_001282625.2, NM_001282626.2, NM_001406983.1 and 6 more transcripts); c.-429C>T (NM_001406986.1); c.-407C>T (NM_001406990.1, NM_001406995.1, NM_001407002.1); c.-670C>T (NM_001406994.1, NM_001407000.1); c.-850C>T (NM_001406999.1); c.-513C>T (NM_001407001.1); c.-203+8090C>T (NM_001406993.1, NM_001407003.1).
Identifiers: ClinVar variation 3071234 (VCV003071234.2), dbSNP rs1572331643, ClinGen allele CA2648345322.